The following is an entry in ClinVar:

ClinVar aggregate classification (germline): Uncertain significance. Review status: criteria provided, multiple submitters, no conflicts (2 of 4 stars). 2 submissions from 2 submitters: Uncertain significance (2). Last evaluated 2025-11-08.

Conditions:
Hereditary cancer-predisposing syndrome. Also called: Neoplastic Syndromes, Hereditary; Hereditary Cancer Syndrome; Hereditary neoplastic syndrome; Tumor predisposition. Identifiers: Orphanet 140162, MedGen C0027672, MeSH D009386, MONDO:0015356.

Submissions (2):

Ambry Genetics
Classification: Uncertain significance for Hereditary cancer-predisposing syndrome. Last evaluated: 2025-11-08. Review status: criteria provided, single submitter. Criteria: Ambry Variant Classification Scheme 2023. Collection method: clinical testing. Allele origin: germline.
Comment: The p.G216A variant (also known as c.647G>C), located in coding exon 4 of the NTHL1 gene, results from a G to C substitution at nucleotide position 647. The glycine at codon 216 is replaced by alanine, an amino acid with similar properties. This amino acid position is conserved. In addition, this alteration is predicted to be deleterious by in silico analysis. Based on the available evidence, the clinical significance of this variant remains unclear.

Labcorp Genetics (formerly Invitae), Labcorp
Classification: Uncertain significance. Last evaluated: 2023-04-20. Review status: criteria provided, single submitter. Criteria: Invitae Variant Classification Sherloc (09022015). Collection method: clinical testing. Allele origin: germline.
Comment: This variant has not been reported in the literature in individuals affected with NTHL1-related conditions. This variant is not present in population databases (gnomAD no frequency). This sequence change replaces glycine, which is neutral and non-polar, with alanine, which is neutral and non-polar, at codon 216 of the NTHL1 protein (p.Gly216Ala). ClinVar contains an entry for this variant (Variation ID: 1061492). An algorithm developed to predict the effect of missense changes on protein structure and function (PolyPhen-2) suggests that this variant is likely to be disruptive. In summary, the available evidence is currently insufficient to determine the role of this variant in disease. Therefore, it has been classified as a Variant of Uncertain Significance.

NM_002528.7(NTHL1):c.623G>C (p.Gly208Ala)

Gene: NTHL1 (nth like DNA glycosylase 1; minus strand). Cytogenetic location: 16p13.3.
Variant type: single nucleotide variant.
Coding change: c.623G>C on transcript NM_002528.7 (MANE Select); coding-DNA position 623, G replaced by C.
Protein change: p.Gly208Ala; replaces glycine 208 with alanine.
Molecular consequence: missense variant.
Genome position (GRCh38, 1-based): chr16:2,043,629, C>G on the plus strand (G>C on the coding strand, the complement: NTHL1 is on the minus strand). VCF-style: chr16-2043629-C-G. GRCh37 (hg19) VCF-style: chr16-2093630-C-G.
Other names: c.452G>C, p.Gly151Ala (NM_001318193.2); c.293G>C, p.Gly98Ala (NM_001318194.2); c.647G>C (NM_002528.5); short protein forms G151A, G208A, G98A.
Identifiers: ClinVar variation 1061492 (VCV001061492.10), dbSNP rs2150941253, ClinGen allele CA394291363.